The following is an entry in ClinVar:

NM_004304.5(ALK):c.4670T>C (p.Leu1557Pro)

Gene: ALK (ALK receptor tyrosine kinase; minus strand). Cytogenetic location: 2p23.2.
Variant type: single nucleotide variant.
Coding change: c.4670T>C on transcript NM_004304.5 (MANE Select); coding-DNA position 4670, T replaced by C.
Protein change: p.Leu1557Pro; replaces leucine 1557 with proline.
Molecular consequence: missense variant.
Genome position (GRCh38, 1-based): chr2:29,193,417, A>G on the plus strand (T>C on the coding strand, the complement: ALK is on the minus strand). VCF-style: chr2-29193417-A-G. GRCh37 (hg19) VCF-style: chr2-29416283-A-G.
Other names: c.1466T>C, p.Leu489Pro (NM_001353765.2); short protein forms L1557P, L489P.
Identifiers: ClinVar variation 1971590 (VCV001971590.5), dbSNP rs1288125067, ClinGen allele CA346460489.

ClinVar aggregate classification (germline): Uncertain significance (1 of 4 stars; one submission).

Conditions:
Neuroblastoma, susceptibility to, 3. Also called: ALK-Related Neuroblastic Tumor Susceptibility. Identifiers: Orphanet 635, MedGen C2751681, MONDO:0013083, OMIM 613014.

Allele frequency attached by ClinVar (database versions not stated): TOPMed 0.00001.

Submission:

Labcorp Genetics (formerly Invitae), Labcorp
Classification: Uncertain significance for Neuroblastoma, susceptibility to, 3. Last evaluated: 2022-03-21. Review status: criteria provided, single submitter. Criteria: Invitae Variant Classification Sherloc (09022015). Collection method: clinical testing. Allele origin: germline.
Comment: In summary, the available evidence is currently insufficient to determine the role of this variant in disease. Therefore, it has been classified as a Variant of Uncertain Significance. Algorithms developed to predict the effect of missense changes on protein structure and function (SIFT, PolyPhen-2, Align-GVGD) all suggest that this variant is likely to be disruptive. This variant has not been reported in the literature in individuals affected with ALK-related conditions. This variant is not present in population databases (gnomAD no frequency). This sequence change replaces leucine, which is neutral and non-polar, with proline, which is neutral and non-polar, at codon 1557 of the ALK protein (p.Leu1557Pro).